The following is an entry in ClinVar:

NM_001129.5(AEBP1):c.508C>A (p.Pro170Thr)

Gene: AEBP1 (AE binding protein 1; plus strand). Cytogenetic location: 7p13.
Variant type: single nucleotide variant.
Coding change: c.508C>A on transcript NM_001129.5 (MANE Select); coding-DNA position 508, C replaced by A.
Protein change: p.Pro170Thr; replaces proline 170 with threonine.
Molecular consequence: missense variant.
Genome position (GRCh38, 1-based): chr7:44,106,800, C>A. VCF-style: chr7-44106800-C-A. GRCh37 (hg19) VCF-style: chr7-44146399-C-A.
Other names: short protein forms P170T.
Identifiers: ClinVar variation 3896526 (VCV003896526.2).

ClinVar aggregate classification (germline): Uncertain significance (1 of 4 stars; one submission).

Submission:

Women's Health and Genetics/Laboratory Corporation of America, LabCorp
Classification: Uncertain significance. Last evaluated: 2025-04-03. Review status: criteria provided, single submitter. Criteria: LabCorp Variant Classification Summary - May 2015. Collection method: clinical testing. Allele origin: germline.
Comment: Variant summary: AEBP1 c.508C>A (p.Pro170Thr) results in a non-conservative amino acid change in the encoded protein sequence. Four of five in-silico tools predict a benign effect of the variant on protein function. The variant allele was found at a frequency of 4.1e-06 in 242670 control chromosomes. The available data on variant occurrences in the general population are insufficient to allow any conclusion about variant significance. To our knowledge, no occurrence of c.508C>A in individuals affected with Ehlers-Danlos syndrome, classic-like, 2 and no experimental evidence demonstrating its impact on protein function have been reported. No submitters have cited clinical-significance assessments for this variant to ClinVar. Based on the evidence outlined above, the variant was classified as uncertain significance.